The following is an entry in ClinVar:

NM_021083.4(XK):c.856_860del (p.Leu286fs)

Gene: XK (X-linked Kx blood group antigen, Kell and VPS13A binding protein; plus strand). Cytogenetic location: Xp21.1.
Variant type: Deletion.
Coding change: c.856_860del on transcript NM_021083.4 (MANE Select); coding-DNA positions 856 to 860, 5 bases deleted (CTCTA; older notation c.856_860delCTCTA).
Protein change: p.Leu286fs; shifts the reading frame from leucine 286.
Molecular consequence: frameshift variant.
Genome position (GRCh38, 1-based): chrX:37,727,983-37,727,987, CTCTA deleted; deleting any 5 consecutive bases within chrX:37,727,981-37,727,987 gives the same sequence; the c. name uses the placement nearest the transcript's 3' end. VCF-style (leftmost placement, unchanged base first): chrX-37727980-TTACTC-T. GRCh37 (hg19) VCF-style: chrX-37587233-TTACTC-T.
Other names: short protein forms L286fs.
Identifiers: ClinVar variation 2507382 (VCV002507382.5), dbSNP rs2519163580, ClinGen allele CA2580616962.

ClinVar aggregate classification (germline): Pathogenic. Review status: criteria provided, multiple submitters, no conflicts (2 of 4 stars). 2 submissions from 2 submitters: Pathogenic (2). Last evaluated 2025-09-16.

Submissions (2):

GeneDx
Classification: Pathogenic. Last evaluated: 2025-09-16. Review status: criteria provided, single submitter. Criteria: GeneDx Variant Classification Process June 2021. Collection method: clinical testing. Allele origin: germline. Affected: yes.
Comment: Frameshift variant predicted to result in abnormal protein length as the last 159 amino acids are replaced with 15 different amino acids, and other similar variants have been reported in HGMD; Not observed at significant frequency in large population cohorts (gnomAD); This variant is associated with the following publications: (PMID: 23943810, 30128557, 24895410, 11761473, 34473672)

Labcorp Genetics (formerly Invitae), Labcorp
Classification: Pathogenic. Last evaluated: 2023-02-08. Review status: criteria provided, single submitter. Criteria: Invitae Variant Classification Sherloc (09022015). Collection method: clinical testing. Allele origin: germline.
Comment: This variant is also known as 938-942delCTCTA. This premature translational stop signal has been observed in individuals with McLeod syndrome (PMID: 11761473, 23943810, 24895410). It has also been observed to segregate with disease in related individuals. This variant is not present in population databases (gnomAD no frequency). This sequence change creates a premature translational stop signal (p.Leu286Tyrfs*16) in the XK gene. While this is not anticipated to result in nonsense mediated decay, it is expected to disrupt the last 159 amino acid(s) of the XK protein. This variant disrupts a region of the XK protein in which other variant(s) (p.Asn313Thrfs*24) have been observed in individuals with XK-related conditions (PMID: 11761473). This suggests that this is a clinically significant region of the protein, and that variants that disrupt it are likely to be disease-causing. For these reasons, this variant has been classified as Pathogenic.

Literature cited by the submitters: PubMed 11761473 (cited by Labcorp Genetics (formerly Invitae), Labcorp); PubMed 23943810 (cited by Labcorp Genetics (formerly Invitae), Labcorp); PubMed 24895410 (cited by Labcorp Genetics (formerly Invitae), Labcorp).